The following is an entry in ClinVar:

ClinVar aggregate classification (germline): Uncertain significance (1 of 4 stars; one submission).

Allele frequency attached by ClinVar (database versions not stated): TOPMed below 0.00001; ExAC 0.00001; gnomAD 0.00001; 1000 Genomes Project 30x 0.00016; 1000 Genomes Project 0.00020.
gnomAD v4.1: 2 of 1,613,896 alleles (0.00012%); highest among the groups gnomAD compares: African/African-American, 0.0027%; no homozygotes.

Submission:

Labcorp Genetics (formerly Invitae), Labcorp
Classification: Uncertain significance. Last evaluated: 2023-02-01. Review status: criteria provided, single submitter. Criteria: Invitae Variant Classification Sherloc (09022015). Collection method: clinical testing. Allele origin: germline.
Comment: This sequence change replaces glutamine, which is neutral and polar, with arginine, which is basic and polar, at codon 1493 of the POLR1A protein (p.Gln1493Arg). This variant is present in population databases (rs538973452, gnomAD 0.008%). This variant has not been reported in the literature in individuals affected with POLR1A-related conditions. Advanced modeling of protein sequence and biophysical properties (such as structural, functional, and spatial information, amino acid conservation, physicochemical variation, residue mobility, and thermodynamic stability) performed at Invitae indicates that this missense variant is not expected to disrupt POLR1A protein function. In summary, the available evidence is currently insufficient to determine the role of this variant in disease. Therefore, it has been classified as a Variant of Uncertain Significance.

NM_015425.6(POLR1A):c.4478A>G (p.Gln1493Arg)

Gene: POLR1A (RNA polymerase I subunit A; minus strand). Cytogenetic location: 2p11.2.
Variant type: single nucleotide variant.
Coding change: c.4478A>G on transcript NM_015425.6 (MANE Select); coding-DNA position 4478, A replaced by G.
Protein change: p.Gln1493Arg; replaces glutamine 1493 with arginine.
Molecular consequence: missense variant.
Genome position (GRCh38, 1-based): chr2:86,031,430, T>C on the plus strand (A>G on the coding strand, the complement: POLR1A is on the minus strand). VCF-style: chr2-86031430-T-C. GRCh37 (hg19) VCF-style: chr2-86258553-T-C.
Other names: short protein forms Q1493R.
Identifiers: ClinVar variation 2989179 (VCV002989179.3), dbSNP rs538973452, ClinGen allele CA1745484.